The following is an entry in ClinVar:

ClinVar aggregate classification (germline): Uncertain significance. Review status: criteria provided, multiple submitters, no conflicts (2 of 4 stars). 6 submissions from 6 submitters: Uncertain significance (4). 2 of the submissions do not count toward it. Last evaluated 2025-04-16.

Conditions:
VPS13B-related disorder. Also called: VPS13B-related condition.
Inborn genetic diseases. Identifiers: MedGen C0950123, MeSH D030342.
Cohen syndrome (COH1). Also called: PEPPER SYNDROME; Cutis verticis gyrata, retinitis pigmentosa, and sensorineural deafness. Identifiers: Orphanet 193, MedGen C0265223, MONDO:0008999, OMIM 216550.

Allele frequency attached by ClinVar (database versions not stated): gnomAD exomes 0.00001 and 0.00002; ExAC 0.00002; gnomAD 0.00007 and 0.00008; TOPMed 0.00007.
gnomAD v4.1: 26 of 1,612,546 alleles (0.0016%); highest among the groups gnomAD compares: African/African-American, 0.029%; no homozygotes.

Submissions (6):

GeneDx
Classification: Uncertain significance. Last evaluated: 2025-04-16. Review status: criteria provided, single submitter. Criteria: GeneDx Variant Classification Process June 2021. Collection method: clinical testing. Allele origin: germline. Affected: yes.
Comment: In silico analysis indicates that this missense variant does not alter protein structure/function; Has not been previously published as pathogenic or benign to our knowledge

Ambry Genetics
Classification: Uncertain significance for Inborn genetic diseases. Last evaluated: 2024-12-25. Review status: criteria provided, single submitter. Criteria: Ambry Variant Classification Scheme 2023. Collection method: clinical testing. Allele origin: germline.

Labcorp Genetics (formerly Invitae), Labcorp
Classification: Uncertain significance for Cohen syndrome. Last evaluated: 2022-08-19. Review status: criteria provided, single submitter. Criteria: Invitae Variant Classification Sherloc (09022015). Collection method: clinical testing. Allele origin: germline.
Comment: This sequence change replaces proline, which is neutral and non-polar, with leucine, which is neutral and non-polar, at codon 1566 of the VPS13B protein (p.Pro1566Leu). This variant is present in population databases (rs552843068, gnomAD 0.03%). This variant has not been reported in the literature in individuals affected with VPS13B-related conditions. ClinVar contains an entry for this variant (Variation ID: 196183). Algorithms developed to predict the effect of missense changes on protein structure and function are either unavailable or do not agree on the potential impact of this missense change (SIFT: "Not Available"; PolyPhen-2: "Benign"; Align-GVGD: "Not Available"). In summary, the available evidence is currently insufficient to determine the role of this variant in disease. Therefore, it has been classified as a Variant of Uncertain Significance.

Eurofins Ntd Llc (ga)
Classification: Uncertain significance. Last evaluated: 2015-04-08. Review status: criteria provided, single submitter. Criteria: EGL Classification Definitions 2015. Collection method: clinical testing. Allele origin: germline. Observed: 1 variant allele, 1 heterozygote.

PreventionGenetics, part of Exact Sciences
Classification: Uncertain significance for VPS13B-related condition. Last evaluated: 2024-04-14. Review status: no assertion criteria provided. Collection method: clinical testing. Allele origin: germline. Not counted in ClinVar's aggregate classification.
Comment: The VPS13B c.4622C>T variant is predicted to result in the amino acid substitution p.Pro1541Leu. To our knowledge, this variant has not been reported in the literature. This variant is reported in 0.029% of alleles in individuals of African descent in gnomAD. At this time, the clinical significance of this variant is uncertain due to the absence of conclusive functional and genetic evidence.

Natera, Inc.
Classification: Uncertain significance for Cohen syndrome. Last evaluated: 2019-11-11. Review status: no assertion criteria provided. Collection method: clinical testing. Allele origin: germline. Not counted in ClinVar's aggregate classification.

NM_152564.5(VPS13B):c.4622C>T (p.Pro1541Leu)

Gene: VPS13B (vacuolar protein sorting 13 homolog B; plus strand). Cytogenetic location: 8q22.2.
Variant type: single nucleotide variant.
Coding change: c.4622C>T on transcript NM_152564.5 (MANE Select); coding-DNA position 4622, C replaced by T.
Protein change: p.Pro1541Leu; replaces proline 1541 with leucine.
Molecular consequence: missense variant.
Genome position (GRCh38, 1-based): chr8:99,511,501, C>T. VCF-style: chr8-99511501-C-T. GRCh37 (hg19) VCF-style: chr8-100523729-C-T.
Other names: c.4697C>T, p.Pro1566Leu (NM_017890.5); c.4697C>T (NM_017890.3); c.4622C>T (NM_152564.4); short protein forms P1541L, P1566L.
Identifiers: ClinVar variation 196183 (VCV000196183.14), dbSNP rs552843068, ClinGen allele CA243054.